The following is an entry in ClinVar:

NM_005245.4(FAT1):c.4429C>T (p.Gln1477Ter)

Gene: FAT1 (FAT atypical cadherin 1; minus strand). Cytogenetic location: 4q35.2.
Variant type: single nucleotide variant.
Coding change: c.4429C>T on transcript NM_005245.4 (MANE Select); coding-DNA position 4429, C replaced by T.
Protein change: p.Gln1477Ter; replaces glutamine 1477 with a stop codon.
Molecular consequence: nonsense.
Genome position (GRCh38, 1-based): chr4:186,628,658, G>A on the plus strand (C>T on the coding strand, the complement: FAT1 is on the minus strand). VCF-style: chr4-186628658-G-A. GRCh37 (hg19) VCF-style: chr4-187549812-G-A.
Other names: c.4429C>T, p.Gln1477Ter (NM_001440455.1, NM_001440456.1, NM_001440457.1); short protein forms Q1477*.
Identifiers: ClinVar variation 4530043 (VCV004530043.1).

ClinVar aggregate classification (somatic clinical impact): Tier II - Potential (1 of 4 stars; one submission).

Conditions:
Sarcoma. Identifiers: MedGen C1261473, MONDO:0005089, HP:0100242.

Submission:

Institute for Genomic Medicine (IGM) Clinical Laboratory, Nationwide Children's Hospital
Classification: Tier II - Potential for Sarcoma. Assertion type: diagnostic. Clinical significance: supports diagnosis. Last evaluated: 2023-08-01. Review status: criteria provided, single submitter. Criteria: AMP/ASCO/CAP Guidelines, 2017. Collection method: clinical testing. Allele origin: somatic. Affected: yes.
Comment: Variant has Tier II (potential) clinical significance as a diagnostic inclusion criterion in sarcoma, based on the following evidence: 1) Documented in one or more cancer databases (e.g., St. Jude Pecan, COSMIC, CIViC, OncoKB). 2) Assists in diagnosis alone or along with other biomarkers based on small studies or few case reports (Evidence Level D; PMID: 35705560).

Literature cited by the submitters: PubMed 35705560.